The following is an entry in ClinVar:

NM_032892.5(FRMD5):c.364T>C (p.Tyr122His)

Gene: FRMD5 (FERM domain containing 5; minus strand). Cytogenetic location: 15q15.3.
Variant type: single nucleotide variant.
Coding change: c.364T>C on transcript NM_032892.5 (MANE Select); coding-DNA position 364, T replaced by C.
Protein change: p.Tyr122His; replaces tyrosine 122 with histidine.
Molecular consequence: missense variant. On other transcripts: 5 prime UTR variant (1), non-coding transcript variant (1).
Genome position (GRCh38, 1-based): chr15:43,909,945, A>G on the plus strand (T>C on the coding strand, the complement: FRMD5 is on the minus strand). VCF-style: chr15-43909945-A-G. GRCh37 (hg19) VCF-style: chr15-44202143-A-G.
Other names: c.97T>C, p.Tyr33His (NM_001286490.2); c.-250T>C (NM_001286491.2); c.364T>C, p.Tyr122His (NM_001322949.2, NM_001322950.2, NM_001411124.1); c.259T>C, p.Tyr87His (NM_001322951.2); short protein forms Y87H, Y122H, Y33H.
Identifiers: ClinVar variation 3393812 (VCV003393812.1).

ClinVar aggregate classification (germline): Uncertain significance (1 of 4 stars; one submission).

gnomAD v4.1: 1 of 1,612,256 alleles (0.000062%); highest among the groups gnomAD compares: Non-Finnish European, 0.000085%; no homozygotes.

Submission:

GeneDx
Classification: Uncertain significance. Last evaluated: 2024-07-01. Review status: criteria provided, single submitter. Criteria: GeneDx Variant Classification Process June 2021. Collection method: clinical testing. Allele origin: germline. Affected: yes.
Comment: Not observed at significant frequency in large population cohorts (gnomAD); In silico analysis supports that this missense variant has a deleterious effect on protein structure/function; Has not been previously published as pathogenic or benign to our knowledge